The following is an entry in ClinVar:

ClinVar aggregate classification (germline): Conflicting classifications of pathogenicity. Review status: criteria provided, conflicting classifications (1 of 4 stars). 3 submissions from 3 submitters: Uncertain significance (1); Benign (1); Likely benign (1). Last evaluated 2025-01-08.

Conditions:
SMC1A-related disorder. Also called: SMC1A-related condition.
Congenital muscular hypertrophy-cerebral syndrome (CDLS2). Also called: SMC1A-Related Cornelia de Lange Syndrome; Cornelia de Lange syndrome 2. Identifiers: Orphanet 199, MedGen C1802395, MONDO:0010370, OMIM 300590.

Allele frequency attached by ClinVar (database versions not stated): gnomAD 0.00001; TOPMed 0.00001; gnomAD exomes 0.00001.
gnomAD v4.1: 11 of 1,154,284 alleles (0.00095%); highest among the groups gnomAD compares: Admixed American, 0.0066%; no homozygotes.

Submissions (3):

Labcorp Genetics (formerly Invitae), Labcorp
Classification: Benign for Congenital muscular hypertrophy-cerebral syndrome. Last evaluated: 2025-01-08. Review status: criteria provided, single submitter. Criteria: Invitae Variant Classification Sherloc (09022015). Collection method: clinical testing. Allele origin: germline.

PreventionGenetics, part of Exact Sciences
Classification: Likely benign for SMC1A-related condition. Last evaluated: 2024-12-12. Review status: criteria provided, single submitter. Criteria: ACMG Guidelines, 2015. Collection method: clinical testing. Allele origin: germline.
Comment: This variant is classified as likely benign based on ACMG/AMP sequence variant interpretation guidelines (Richards et al. 2015 PMID: 25741868, with internal and published modifications).

CeGaT Center for Human Genetics Tuebingen
Classification: Uncertain significance. Last evaluated: 2017-07-01. Review status: criteria provided, single submitter. Criteria: CeGaT Center For Human Genetics Tuebingen Variant Classification Criteria Version 2. Collection method: clinical testing. Allele origin: germline. Affected: yes. Observed: 1 variant allele.

NM_006306.4(SMC1A):c.411+6C>T

Gene: SMC1A (structural maintenance of chromosomes 1A; minus strand). Cytogenetic location: Xp11.22.
Variant type: single nucleotide variant.
Coding change: c.411+6C>T on transcript NM_006306.4 (MANE Select); 6 bases into the intron after coding-DNA position 411, C replaced by T.
Molecular consequence: intron variant.
Genome position (GRCh38, 1-based): chrX:53,414,752, G>A on the plus strand (C>T on the coding strand, the complement: SMC1A is on the minus strand). VCF-style: chrX-53414752-G-A. GRCh37 (hg19) VCF-style: chrX-53441701-G-A.
Other names: c.411+6C>T (NM_006306.3); c.345+6C>T (NM_001281463.1).
Identifiers: ClinVar variation 493525 (VCV000493525.51), dbSNP rs782515915, ClinGen allele CA10420674.